The following is an entry in ClinVar:

ClinVar aggregate classification (germline): Uncertain significance (1 of 4 stars; one submission).

gnomAD v4.1: 2 of 1,614,104 alleles (0.00012%); highest among the groups gnomAD compares: Non-Finnish European, 0.00017%; no homozygotes.

Submission:

Women's Health and Genetics/Laboratory Corporation of America, LabCorp
Classification: Uncertain significance. Last evaluated: 2024-03-01. Review status: criteria provided, single submitter. Criteria: LabCorp Variant Classification Summary - May 2015. Collection method: clinical testing. Allele origin: germline.
Comment: Variant summary: HIVEP2 c.224T>A (p.Val75Glu) results in a non-conservative amino acid change in the encoded protein sequence. Four of five in-silico tools predict a benign effect of the variant on protein function. The variant was absent in 249574 control chromosomes. The available data on variant occurrences in the general population are insufficient to allow any conclusion about variant significance. To our knowledge, no occurrence of c.224T>A in individuals affected with Intellectual Disability, Autosomal Dominant 43 and no experimental evidence demonstrating its impact on protein function have been reported. No submitters have cited clinical-significance assessments for this variant to ClinVar. Based on the evidence outlined above, the variant was classified as uncertain significance.

NM_006734.4(HIVEP2):c.224T>A (p.Val75Glu)

Gene: HIVEP2 (HIVEP zinc finger 2; minus strand). Cytogenetic location: 6q24.2.
Variant type: single nucleotide variant.
Coding change: c.224T>A on transcript NM_006734.4 (MANE Select); coding-DNA position 224, T replaced by A.
Protein change: p.Val75Glu; replaces valine 75 with glutamic acid.
Molecular consequence: missense variant.
Genome position (GRCh38, 1-based): chr6:142,774,515, A>T on the plus strand (T>A on the coding strand, the complement: HIVEP2 is on the minus strand). VCF-style: chr6-142774515-A-T. GRCh37 (hg19) VCF-style: chr6-143095652-A-T.
Other names: short protein forms V75E.
Identifiers: ClinVar variation 3233697 (VCV003233697.2), dbSNP rs1775643422, ClinGen allele CA365916523.